The following is an entry in ClinVar:

NM_020134.4(DPYSL5):c.646A>C (p.Ile216Leu)

Gene: DPYSL5 (dihydropyrimidinase like 5; plus strand). Cytogenetic location: 2p23.3.
Variant type: single nucleotide variant.
Coding change: c.646A>C on transcript NM_020134.4 (MANE Select); coding-DNA position 646, A replaced by C.
Protein change: p.Ile216Leu; replaces isoleucine 216 with leucine.
Molecular consequence: missense variant.
Genome position (GRCh38, 1-based): chr2:26,928,300, A>C. VCF-style: chr2-26928300-A-C. GRCh37 (hg19) VCF-style: chr2-27151168-A-C.
Other names: c.646A>C, p.Ile216Leu (NM_001253723.2, NM_001253724.2); c.646A>C (NM_020134.3); short protein forms I216L.
Identifiers: ClinVar variation 3024998 (VCV003024998.22), dbSNP rs1332583601, ClinGen allele CA346151539.

ClinVar aggregate classification (germline): Likely benign. Review status: criteria provided, single submitter (1 of 4 stars). 2 submissions from 2 submitters: Likely benign (1). 1 of the submissions does not count toward it. Last evaluated 2026-02-01.

Conditions:
DPYSL5-related disorder. Also called: DPYSL5-related condition.

Allele frequency attached by ClinVar (database versions not stated): TOPMed 0.00001.
gnomAD v4.1: 2 of 1,613,896 alleles (0.00012%); highest among the groups gnomAD compares: Middle Eastern, 0.016%; no homozygotes.

Submissions (2):

CeGaT Center for Human Genetics Tuebingen
Classification: Likely benign. Last evaluated: 2026-02-01. Review status: criteria provided, single submitter. Criteria: CeGaT Center For Human Genetics Tuebingen Variant Classification Criteria Version 2. Collection method: clinical testing. Allele origin: germline. Affected: yes. Observed: 2 variant alleles.
Comment: DPYSL5: BS2

PreventionGenetics, part of Exact Sciences
Classification: Uncertain significance for DPYSL5-related condition. Last evaluated: 2024-03-07. Review status: no assertion criteria provided. Collection method: clinical testing. Allele origin: germline. Not counted in ClinVar's aggregate classification.
Comment: The DPYSL5 c.646A>C variant is predicted to result in the amino acid substitution p.Ile216Leu. To our knowledge, this variant has not been reported in the literature or in a large population database, indicating this variant is rare. At this time, the clinical significance of this variant is uncertain due to the absence of conclusive functional and genetic evidence.